The following is an entry in ClinVar:

NM_003482.4(KMT2D):c.9394T>C (p.Cys3132Arg)

Gene: KMT2D (lysine methyltransferase 2D; minus strand). Cytogenetic location: 12q13.12.
Variant type: single nucleotide variant.
Coding change: c.9394T>C on transcript NM_003482.4 (MANE Select); coding-DNA position 9394, T replaced by C.
Protein change: p.Cys3132Arg; replaces cysteine 3132 with arginine.
Molecular consequence: missense variant.
Genome position (GRCh38, 1-based): chr12:49,037,962, A>G on the plus strand (T>C on the coding strand, the complement: KMT2D is on the minus strand). VCF-style: chr12-49037962-A-G. GRCh37 (hg19) VCF-style: chr12-49431745-A-G.
Other names: short protein forms C3132R.
Identifiers: ClinVar variation 3896085 (VCV003896085.1).

ClinVar aggregate classification (germline): Uncertain significance (1 of 4 stars; one submission).

Submission:

Women's Health and Genetics/Laboratory Corporation of America, LabCorp
Classification: Uncertain significance. Last evaluated: 2025-03-19. Review status: criteria provided, single submitter. Criteria: LabCorp Variant Classification Summary - May 2015. Collection method: clinical testing. Allele origin: germline.
Comment: Variant summary: KMT2D c.9394T>C (p.Cys3132Arg) results in a non-conservative amino acid change in the encoded protein sequence. Three of four in-silico tools predict a damaging effect of the variant on protein function. The variant was absent in 229684 control chromosomes. The available data on variant occurrences in the general population are insufficient to allow any conclusion about variant significance. To our knowledge, no occurrence of c.9394T>C in individuals affected with Kabuki Syndrome 1 and no experimental evidence demonstrating its impact on protein function have been reported. No submitters have cited clinical-significance assessments for this variant to ClinVar. Based on the evidence outlined above, the variant was classified as uncertain significance.